The following is an entry in ClinVar:

ClinVar aggregate classification (germline): Likely benign. Review status: criteria provided, single submitter (1 of 4 stars). 2 submissions from 2 submitters: Likely benign (1). 1 of the submissions does not count toward it. Last evaluated 2025-04-01.

Conditions:
Congenital central hypoventilation. Also called: Congenital Central Hypoventilation Syndrome. Identifiers: Orphanet 661, Orphanet 99803, MedGen C1275808, MONDO:0800031. Disease mechanism: gain of function.

Submissions (2):

CeGaT Center for Human Genetics Tuebingen
Classification: Likely benign. Last evaluated: 2025-04-01. Review status: criteria provided, single submitter. Criteria: CeGaT Center For Human Genetics Tuebingen Variant Classification Criteria Version 2. Collection method: clinical testing. Allele origin: germline. Affected: yes. Observed: 1 variant allele.
Comment: ASCL1: PM4, BS1, BS2

OMIM
Classification: Uncertain significance for RECLASSIFIED - VARIANT OF UNKNOWN SIGNIFICANCE. Last evaluated: 2003-12-01. Review status: no assertion criteria provided. Collection method: literature only. Allele origin: germline. Not counted in ClinVar's aggregate classification.

Literature cited by the submitters: Hamosh, A. Personal Communication. 2021. Baltimore, Md. (cited by OMIM); PubMed 14532329 (cited by OMIM).

NM_004316.4(ASCL1):c.114_128del (p.Ala43_Ala47del)

Genes: ASCL1 (achaete-scute family bHLH transcription factor 1; plus strand), PAH (phenylalanine hydroxylase; minus strand). Cytogenetic location: 12q23.2.
Variant type: Deletion.
Coding change: c.114_128del on transcript NM_004316.4 (MANE Select); coding-DNA positions 114 to 128, 15 bases deleted (GGCGGCCGCAGCCGC).
Protein change: p.Ala43_Ala47del.
Molecular consequence: inframe deletion. On other transcripts: 5 prime UTR variant (1).
Genome position (GRCh38, 1-based): chr12:102,958,358-102,958,372, GGCGGCCGCAGCCGC deleted; deleting any 15 consecutive bases within chr12:102,958,345-102,958,372 gives the same sequence; the c. name uses the placement nearest the transcript's 3' end. VCF-style (leftmost placement, unchanged base first): chr12-102958344-ACGGCCGCAGCCGCGG-A. GRCh37 (hg19) VCF-style: chr12-103352122-ACGGCCGCAGCCGCGG-A.
Other names: c.-260_-246del (NM_001354304.2).
Identifiers: ClinVar variation 18333 (VCV000018333.14), dbSNP rs533680685, ClinGen allele CA6749108.